The following is an entry in ClinVar:

NM_006302.3(MOGS):c.2362C>T (p.Arg788Cys)

Gene: MOGS (mannosyl-oligosaccharide glucosidase; minus strand). Cytogenetic location: 2p13.1.
Variant type: single nucleotide variant.
Coding change: c.2362C>T on transcript NM_006302.3 (MANE Select); coding-DNA position 2362, C replaced by T.
Protein change: p.Arg788Cys; replaces arginine 788 with cysteine.
Molecular consequence: missense variant.
Genome position (GRCh38, 1-based): chr2:74,461,427, G>A on the plus strand (C>T on the coding strand, the complement: MOGS is on the minus strand). VCF-style: chr2-74461427-G-A. GRCh37 (hg19) VCF-style: chr2-74688554-G-A.
Other names: c.2044C>T, p.Arg682Cys (NM_001146158.2); short protein forms R682C, R788C.
Identifiers: ClinVar variation 1478183 (VCV001478183.5), dbSNP rs374527950, ClinGen allele CA1724598.

ClinVar aggregate classification (germline): Uncertain significance (1 of 4 stars; one submission).

Conditions:
MOGS-congenital disorder of glycosylation. Also called: MOGS-CDG; GLUCOSIDASE I DEFICIENCY; CDG IIb; CDG 2B. Identifiers: Orphanet 79330, MedGen C1853736, MONDO:0011629, OMIM 606056.

Allele frequency attached by ClinVar (database versions not stated): gnomAD exomes 0.00001 and 0.00002; gnomAD 0.00002 and 0.00003; ExAC 0.00003; TOPMed 0.00006; ESP Exome Variant Server 0.00016.
gnomAD v4.1: 14 of 1,614,090 alleles (0.00087%); highest among the groups gnomAD compares: East Asian, 0.0045%; no homozygotes.

Submission:

Labcorp Genetics (formerly Invitae), Labcorp
Classification: Uncertain significance for MOGS-congenital disorder of glycosylation. Last evaluated: 2021-08-28. Review status: criteria provided, single submitter. Criteria: Invitae Variant Classification Sherloc (09022015). Collection method: clinical testing. Allele origin: germline.
Comment: This sequence change replaces arginine with cysteine at codon 788 of the MOGS protein (p.Arg788Cys). The arginine residue is highly conserved and there is a large physicochemical difference between arginine and cysteine. This variant is present in population databases (rs374527950, ExAC 0.02%). This variant has not been reported in the literature in individuals affected with MOGS-related conditions. Algorithms developed to predict the effect of missense changes on protein structure and function (SIFT, PolyPhen-2, Align-GVGD) all suggest that this variant is likely to be disruptive. In summary, the available evidence is currently insufficient to determine the role of this variant in disease. Therefore, it has been classified as a Variant of Uncertain Significance.